The following is an entry in ClinVar:

NM_000257.4(MYH7):c.3681G>A (p.Glu1227=)

Gene: MYH7 (myosin heavy chain 7; minus strand). Cytogenetic location: 14q11.2.
Variant type: single nucleotide variant.
Coding change: c.3681G>A on transcript NM_000257.4 (MANE Select); coding-DNA position 3681, G replaced by A.
Protein change: p.Glu1227=; no amino-acid change (glutamic acid 1227 retained).
Molecular consequence: synonymous variant.
Genome position (GRCh38, 1-based): chr14:23,419,890, C>T on the plus strand (G>A on the coding strand, the complement: MYH7 is on the minus strand). VCF-style: chr14-23419890-C-T. GRCh37 (hg19) VCF-style: chr14-23889099-C-T.
Other names: c.3681G>A, p.Glu1227= (NM_001407004.1).
Identifiers: ClinVar variation 3074692 (VCV003074692.2), dbSNP rs2502263734, ClinGen allele CA485766647.

ClinVar aggregate classification (germline): Likely benign. Review status: criteria provided, multiple submitters, no conflicts (2 of 4 stars). 2 submissions from 2 submitters: Likely benign (2). Last evaluated 2025-08-03.

Conditions:
Cardiovascular phenotype. Identifiers: MedGen CN230736.
Cardiomyopathy (CMYO). Also called: Cardiomyopathies. Identifiers: Orphanet 167848, MedGen C0878544, MONDO:0004994, HP:0001638. Inheritance: Various modes of inheritance.

Allele frequency attached by ClinVar (database versions not stated): gnomAD exomes below 0.00001.

Submissions (2):

Ambry Genetics
Classification: Likely benign for Cardiovascular phenotype. Last evaluated: 2025-08-03. Review status: criteria provided, single submitter. Criteria: Ambry Variant Classification Scheme 2023. Collection method: clinical testing. Allele origin: germline.

All of Us Research Program, National Institutes of Health
Classification: Likely benign for Cardiomyopathy. Last evaluated: 2023-11-20. Review status: criteria provided, single submitter. Criteria: ACMG Guidelines, 2015. Collection method: clinical testing. Allele origin: germline. Inheritance: Autosomal dominant inheritance. Observed: 1 variant allele, 1 heterozygote.
Comment: This study involves interpretation of variants in research participants for the purpose of population health screening. Participant phenotype was not available at the time of variant classification. Additional details can be found in publication PMID: 35346344, PMCID: PMC8962531